The following is an entry in ClinVar:

NM_003978.5(PSTPIP1):c.138-8T>C

Gene: PSTPIP1 (proline-serine-threonine phosphatase interacting protein 1; plus strand). Cytogenetic location: 15q24.3.
Variant type: single nucleotide variant.
Coding change: c.138-8T>C on transcript NM_003978.5 (MANE Select); 8 bases into the intron before coding-DNA position 138, T replaced by C.
Molecular consequence: intron variant.
Genome position (GRCh38, 1-based): chr15:77,018,449, T>C. VCF-style: chr15-77018449-T-C. GRCh37 (hg19) VCF-style: chr15-77310790-T-C.
Other names: c.138-8T>C (LRG_172t1, NM_001321135.2); c.333-8T>C (NM_001321137.1); c.111-8T>C (NM_001321136.2).
Identifiers: ClinVar variation 391012 (VCV000391012.1), dbSNP rs1057523945, ClinGen allele CA16607879.

ClinVar aggregate classification (germline): Likely benign (1 of 4 stars; one submission).

Allele frequency attached by ClinVar (database versions not stated): gnomAD exomes 0.00001.
gnomAD v4.1: 3 of 1,572,368 alleles (0.00019%); highest among the groups gnomAD compares: Non-Finnish European, 0.00026%; no homozygotes.

Submission:

GeneDx
Classification: Likely benign. Last evaluated: 2016-11-25. Review status: criteria provided, single submitter. Criteria: GeneDx Variant Classification (06012015). Collection method: clinical testing. Allele origin: germline. Affected: yes.
Comment: This variant is considered likely benign or benign based on one or more of the following criteria: it is a conservative change, it occurs at a poorly conserved position in the protein, it is predicted to be benign by multiple in silico algorithms, and/or has population frequency not consistent with disease.